The following is an entry in ClinVar:

NM_152617.4(RNF168):c.559-1_560del

Gene: RNF168 (ring finger protein 168; minus strand). Cytogenetic location: 3q29.
Variant type: Microsatellite.
Coding change: c.559-1_560del on transcript NM_152617.4 (MANE Select); the canonical splice acceptor site of the intron before coding-DNA position 559 through coding-DNA position 560, 3 bases deleted (GAA; older notation c.559-1_560delGAA).
Molecular consequence: splice acceptor variant.
Genome position (GRCh38, 1-based): chr3:196,483,890-196,483,892, TTC deleted on the plus strand (GAA on the coding strand, the reverse complement: RNF168 is on the minus strand); deleting any 3 consecutive bases within chr3:196,483,890-196,483,895 gives the same sequence; the c. name uses the placement nearest the transcript's 3' end. VCF-style (leftmost placement, unchanged base first): chr3-196483889-GTTC-G. GRCh37 (hg19) VCF-style: chr3-196210760-GTTC-G.
Identifiers: ClinVar variation 1985421 (VCV001985421.6), dbSNP rs1203276122, ClinGen allele CA549035373.

ClinVar aggregate classification (germline): Likely pathogenic. Review status: criteria provided, multiple submitters, no conflicts (2 of 4 stars). 3 submissions from 3 submitters: Likely pathogenic (3). Last evaluated 2023-05-25.

Conditions:
RIDDLE syndrome. Identifiers: Orphanet 420741, MedGen C2677792, MONDO:0012764, OMIM 611943.

Submissions (3):

Laboratorio de Genetica e Diagnostico Molecular, Hospital Israelita Albert Einstein
Classification: Likely pathogenic for RIDDLE syndrome. Last evaluated: 2023-05-25. Review status: criteria provided, single submitter. Criteria: ACMG Guidelines, 2015. Collection method: clinical testing. Allele origin: germline. Affected: yes.
Comment: ACMG classification criteria: PVS1 very strong, PM2 supporting

Baylor Genetics
Classification: Likely pathogenic for RIDDLE syndrome. Last evaluated: 2022-12-28. Review status: criteria provided, single submitter. Criteria: ACMG Guidelines, 2015. Collection method: clinical testing. Allele origin: unknown.

Labcorp Genetics (formerly Invitae), Labcorp
Classification: Likely pathogenic. Last evaluated: 2022-03-24. Review status: criteria provided, single submitter. Criteria: Invitae Variant Classification Sherloc (09022015). Collection method: clinical testing. Allele origin: germline.
Comment: In summary, the currently available evidence indicates that the variant is pathogenic, but additional data are needed to prove that conclusively. Therefore, this variant has been classified as Likely Pathogenic. Algorithms developed to predict the effect of sequence changes on RNA splicing suggest that this variant may disrupt the consensus splice site. This variant has not been reported in the literature in individuals affected with RNF168-related conditions. This variant is present in population databases (no rsID available, gnomAD 0.03%). This variant results in the deletion of part of exon 4 of the RNF168 gene. It is expected to disrupt RNA splicing. Variants that disrupt the donor or acceptor splice site typically lead to a loss of protein function (PMID: 16199547), and loss-of-function variants in RNF168 are known to be pathogenic (PMID: 19203578, 21394101).

Literature cited by the submitters: PubMed 16199547 (cited by Labcorp Genetics (formerly Invitae), Labcorp); PubMed 19203578 (cited by Labcorp Genetics (formerly Invitae), Labcorp); PubMed 21394101 (cited by Labcorp Genetics (formerly Invitae), Labcorp).